The following is an entry in ClinVar:

ClinVar aggregate classification (germline): Benign. Review status: criteria provided, single submitter (1 of 4 stars). 2 submissions from 2 submitters: Benign (1). 1 of the submissions does not count toward it. Last evaluated 2025-02-28.

Conditions:
APCDD1-related disorder. Also called: APCDD1-related condition.

Allele frequency attached by ClinVar (database versions not stated): gnomAD exomes 0.00003; ExAC 0.00012; ESP Exome Variant Server 0.00015; TOPMed 0.00030; gnomAD 0.00031; 1000 Genomes Project 30x 0.00094; 1000 Genomes Project 0.00100.
gnomAD v4.1: 94 of 1,613,642 alleles (0.0058%); highest among the groups gnomAD compares: African/African-American, 0.11%; no homozygotes.

Submissions (2):

Labcorp Genetics (formerly Invitae), Labcorp
Classification: Benign. Last evaluated: 2025-02-28. Review status: criteria provided, single submitter. Criteria: Invitae Variant Classification Sherloc (09022015). Collection method: clinical testing. Allele origin: germline.

PreventionGenetics, part of Exact Sciences
Classification: Likely benign for APCDD1-related condition. Last evaluated: 2020-10-12. Review status: no assertion criteria provided. Collection method: clinical testing. Allele origin: germline. Not counted in ClinVar's aggregate classification.
Comment: This variant is classified as likely benign based on ACMG/AMP sequence variant interpretation guidelines (Richards et al. 2015 PMID: 25741868, with internal and published modifications).

NM_153000.5(APCDD1):c.228C>T (p.His76=)

Gene: APCDD1 (APC down-regulated 1; plus strand). Cytogenetic location: 18p11.22.
Variant type: single nucleotide variant.
Coding change: c.228C>T on transcript NM_153000.5 (MANE Select); coding-DNA position 228, C replaced by T.
Protein change: p.His76=; no amino-acid change (histidine 76 retained).
Molecular consequence: synonymous variant.
Genome position (GRCh38, 1-based): chr18:10,468,638, C>T. VCF-style: chr18-10468638-C-T. GRCh37 (hg19) VCF-style: chr18-10468635-C-T.
Identifiers: ClinVar variation 3032456 (VCV003032456.3), dbSNP rs114256170, ClinGen allele CA8890957.
Genomic context (GRCh38, chr18:10,468,638, plus strand): 5'-CAAACATCTCCACAATGGTGCAAGGATCACAGTGCAGATGCCACCTACAATCGAGGGCCA[C>T]TGGGTCTCCACAGGGTAAGAGGACAGGTGGGGTCTGGGAGAGGCCAGAGAGCACACCACT-3'
Protein context (NP_694545.1, residues 66-86): TVQMPPTIEG[His76=]WVSTGCEVRS